The following is an entry in ClinVar:

NM_006206.6(PDGFRA):c.2809C>T (p.Pro937Ser)

Gene: PDGFRA (platelet derived growth factor receptor alpha; plus strand). Cytogenetic location: 4q12.
Variant type: single nucleotide variant.
Coding change: c.2809C>T on transcript NM_006206.6 (MANE Select); coding-DNA position 2809, C replaced by T.
Protein change: p.Pro937Ser; replaces proline 937 with serine.
Molecular consequence: missense variant.
Genome position (GRCh38, 1-based): chr4:54,289,043, C>T. VCF-style: chr4-54289043-C-T. GRCh37 (hg19) VCF-style: chr4-55155210-C-T.
Other names: c.2884C>T, p.Pro962Ser (NM_001347828.2); c.2809C>T, p.Pro937Ser (NM_001347829.2); c.2848C>T, p.Pro950Ser (NM_001347830.2); short protein forms P962S, P937S, P950S.
Identifiers: ClinVar variation 2051075 (VCV002051075.5), dbSNP rs2110345783, ClinGen allele CA356895727.

ClinVar aggregate classification (germline): Uncertain significance. Review status: criteria provided, multiple submitters, no conflicts (2 of 4 stars). 2 submissions from 2 submitters: Uncertain significance (2). Last evaluated 2025-07-17.

Conditions:
Gastrointestinal stromal tumor. Also called: Gastrointestinal stroma tumor; Gastrointestinal stromal tumor, somatic. Identifiers: Orphanet 44890, MedGen C0238198, MeSH D046152, MONDO:0011719, OMIM 606764, HP:0100723.
Hereditary cancer-predisposing syndrome. Also called: Hereditary neoplastic syndrome; Neoplastic Syndromes, Hereditary; Hereditary Cancer Syndrome; Tumor predisposition. Identifiers: Orphanet 140162, MedGen C0027672, MeSH D009386, MONDO:0015356.

Submissions (2):

Ambry Genetics
Classification: Uncertain significance for Hereditary cancer-predisposing syndrome. Last evaluated: 2025-07-17. Review status: criteria provided, single submitter. Criteria: Ambry Variant Classification Scheme 2023. Collection method: clinical testing. Allele origin: germline.
Comment: The p.P937S variant (also known as c.2809C>T), located in coding exon 20 of the PDGFRA gene, results from a C to T substitution at nucleotide position 2809. The proline at codon 937 is replaced by serine, an amino acid with similar properties. This amino acid position is conserved. In addition, the in silico prediction for this alteration is inconclusive. Based on the available evidence, the clinical significance of this variant remains unclear.

Labcorp Genetics (formerly Invitae), Labcorp
Classification: Uncertain significance for Gastrointestinal stromal tumor. Last evaluated: 2021-12-21. Review status: criteria provided, single submitter. Criteria: Invitae Variant Classification Sherloc (09022015). Collection method: clinical testing. Allele origin: germline.
Comment: This variant has not been reported in the literature in individuals affected with PDGFRA-related conditions. This variant is not present in population databases (gnomAD no frequency). This sequence change replaces proline, which is neutral and non-polar, with serine, which is neutral and polar, at codon 937 of the PDGFRA protein (p.Pro937Ser). Algorithms developed to predict the effect of missense changes on protein structure and function are either unavailable or do not agree on the potential impact of this missense change (SIFT: "Tolerated"; PolyPhen-2: "Probably Damaging"; Align-GVGD: "Class C0"). In summary, the available evidence is currently insufficient to determine the role of this variant in disease. Therefore, it has been classified as a Variant of Uncertain Significance.